The following is an entry in ClinVar:

ClinVar aggregate classification (germline): Conflicting classifications of pathogenicity. Review status: criteria provided, conflicting classifications (1 of 4 stars). 3 submissions from 2 submitters: Uncertain significance (1); Benign (1); Likely benign (1). Last evaluated 2021-05-21.

Conditions:
EAST syndrome (SESAMES). Also called: SEIZURES, SENSORINEURAL DEAFNESS, ATAXIA, IMPAIRED INTELLECTUAL DEVELOPMENT, AND ELECTROLYTE IMBALANCE. Identifiers: Orphanet 199343, MedGen C2748572, MONDO:0013005, OMIM 612780.
Autosomal recessive nonsyndromic hearing loss 4 (DFNB4). Also called: Deafness, autosomal recessive 4; NEUROSENSORY NONSYNDROMIC RECESSIVE DEAFNESS 4; FOXI1-Related Pendred Syndrome; KCNJ10-Related Pendred Syndrome; DEAFNESS, AUTOSOMAL RECESSIVE 4, WITH ENLARGED VESTIBULAR AQUEDUCT, DIGENIC; Nonsyndromic enlarged vestibular aqueduct (NSEVA). Identifiers: Orphanet 90636, MedGen C3538946, MONDO:0010933, OMIM 600791.

Allele frequency attached by ClinVar (database versions not stated): gnomAD 0.00893 and 0.00948; TOPMed 0.00979; 1000 Genomes Project 0.01138; 1000 Genomes Project 30x 0.01249.

Submissions (3):

GeneDx
Classification: Likely benign. Last evaluated: 2021-05-21. Review status: criteria provided, single submitter. Criteria: GeneDx Variant Classification Process June 2021. Collection method: clinical testing. Allele origin: germline. Affected: yes.

Illumina Laboratory Services, Illumina
Classification: Benign for EAST syndrome. Last evaluated: 2018-01-13. Review status: criteria provided, single submitter. Criteria: ICSL Variant Classification Criteria 13 December 2019. Collection method: clinical testing. Allele origin: germline.
Comment: This variant was observed in the ICSL laboratory as part of a predisposition screen in an ostensibly healthy population. It had not been previously curated by ICSL or reported in the Human Gene Mutation Database (HGMD: prior to June 1st, 2018), and was therefore a candidate for classification through an automated scoring system. Utilizing variant allele frequency, disease prevalence and penetrance estimates, and inheritance mode, an automated score was calculated to assess if this variant is too frequent to cause the disease. Based on the score and internal cut-off values, a variant classified as benign is not then subjected to further curation. The score for this variant resulted in a classification of benign for this disease.

Illumina Laboratory Services, Illumina
Classification: Uncertain significance for Autosomal recessive nonsyndromic hearing loss 4. Last evaluated: 2018-01-13. Review status: criteria provided, single submitter. Criteria: ICSL Variant Classification Criteria 13 December 2019. Collection method: clinical testing. Allele origin: germline.

NM_002241.5(KCNJ10):c.*2242T>C

Gene: KCNJ10 (potassium inwardly rectifying channel subfamily J member 10; minus strand). Cytogenetic location: 1q23.2.
Variant type: single nucleotide variant.
Coding change: c.*2242T>C on transcript NM_002241.5 (MANE Select); 2242 bases downstream of the stop codon, T replaced by C.
Molecular consequence: 3 prime UTR variant.
Genome position (GRCh38, 1-based): chr1:160,039,151, A>G on the plus strand (T>C on the coding strand, the complement: KCNJ10 is on the minus strand). VCF-style: chr1-160039151-A-G. GRCh37 (hg19) VCF-style: chr1-160008941-A-G.
Identifiers: ClinVar variation 876371 (VCV000876371.5), dbSNP rs115120891, ClinGen allele CA31468190.